The following is an entry in ClinVar:

NM_000075.4(CDK4):c.561G>T (p.Leu187=)

Gene: CDK4 (cyclin dependent kinase 4; minus strand). Cytogenetic location: 12q14.1.
Variant type: single nucleotide variant.
Coding change: c.561G>T on transcript NM_000075.4 (MANE Select); coding-DNA position 561, G replaced by T.
Protein change: p.Leu187=; no amino-acid change (leucine 187 retained).
Molecular consequence: synonymous variant.
Genome position (GRCh38, 1-based): chr12:57,750,727, C>A on the plus strand (G>T on the coding strand, the complement: CDK4 is on the minus strand). VCF-style: chr12-57750727-C-A. GRCh37 (hg19) VCF-style: chr12-58144510-C-A.
Identifiers: ClinVar variation 220009 (VCV000220009.16), dbSNP rs864622342, ClinGen allele CA348936.
Genomic context (GRCh38, chr12:57,750,727, plus strand): 5'-CATCTCTGCAAAGATACAGCCAACACTCCACATGTCCACAGGTGTTGCATATGTGGACTG[C>A]AGAAGAACTTCGGGAGCTCGGTACCAGAGTGTAACAACCTAAAGGGAATAGGAAGAATGG-3'
Protein context (NP_000066.1, residues 177-197): TLWYRAPEVL[Leu187=]QSTYATPVDM

ClinVar aggregate classification (germline): Benign/Likely benign. Review status: criteria provided, multiple submitters, no conflicts (2 of 4 stars). 3 submissions from 3 submitters: Benign (1); Likely benign (2). Last evaluated 2025-04-01.

Conditions:
Hereditary cancer-predisposing syndrome. Also called: Hereditary neoplastic syndrome; Tumor predisposition; Hereditary Cancer Syndrome; Neoplastic Syndromes, Hereditary. Identifiers: Orphanet 140162, MedGen C0027672, MeSH D009386, MONDO:0015356.
Familial melanoma. Also called: Hereditary melanoma; Hereditary cutaneous melanoma. Identifiers: Orphanet 618, MedGen C1512419, MONDO:0018961.
Melanoma, cutaneous malignant, susceptibility to, 3. Also called: Cutaneous malignant melanoma 3. Identifiers: Orphanet 618, MedGen C1836892, MONDO:0012183, OMIM 609048.

Submissions (3):

Labcorp Genetics (formerly Invitae), Labcorp
Classification: Likely benign for Familial melanoma. Last evaluated: 2025-04-01. Review status: criteria provided, single submitter. Criteria: Invitae Variant Classification Sherloc (09022015). Collection method: clinical testing. Allele origin: germline.

Myriad Genetics, Inc.
Classification: Benign for Melanoma, cutaneous malignant, susceptibility to, 3. Last evaluated: 2024-09-26. Review status: criteria provided, single submitter. Criteria: Myriad Autosomal Dominant, Autosomal Recessive and X-Linked Classification Criteria (2023). Collection method: clinical testing. Allele origin: unknown.
Comment: This variant is considered benign. This variant is a silent/synonymous amino acid change and it is not expected to impact splicing.

Ambry Genetics
Classification: Likely benign for Hereditary cancer-predisposing syndrome. Last evaluated: 2016-11-21. Review status: criteria provided, single submitter. Criteria: Ambry Variant Classification Scheme 2023. Collection method: clinical testing. Allele origin: germline.